The following is an entry in ClinVar:

ClinVar aggregate classification (germline): Uncertain significance (1 of 4 stars; one submission).

Conditions:
Long QT syndrome (LQTS). Identifiers: MedGen C0023976, MeSH D008133, MONDO:0002442. Disease mechanism: loss of function. Inheritance: Various modes of inheritance.

gnomAD v4.1: 15 of 1,371,584 alleles (0.0011%); highest among the groups gnomAD compares: Non-Finnish European, 0.0013%; no homozygotes.

Submission:

Labcorp Genetics (formerly Invitae), Labcorp
Classification: Uncertain significance for Long QT syndrome. Last evaluated: 2021-08-18. Review status: criteria provided, single submitter. Criteria: Invitae Variant Classification Sherloc (09022015). Collection method: clinical testing. Allele origin: germline.
Comment: This sequence change replaces arginine with tryptophan at codon 252 of the KCNH2 protein (p.Arg252Trp). The arginine residue is weakly conserved and there is a moderate physicochemical difference between arginine and tryptophan. The frequency data for this variant in the population databases is considered unreliable, as metrics indicate insufficient coverage at this position in the ExAC database. This variant has not been reported in the literature in individuals affected with KCNH2-related conditions. Algorithms developed to predict the effect of missense changes on protein structure and function are either unavailable or do not agree on the potential impact of this missense change (SIFT: "Deleterious"; PolyPhen-2: "Possibly Damaging"; Align-GVGD: "Class C0"). In summary, the available evidence is currently insufficient to determine the role of this variant in disease. Therefore, it has been classified as a Variant of Uncertain Significance.

NM_000238.4(KCNH2):c.754C>T (p.Arg252Trp)

Gene: KCNH2 (potassium voltage-gated channel subfamily H member 2; minus strand). Cytogenetic location: 7q36.1.
Variant type: single nucleotide variant.
Coding change: c.754C>T on transcript NM_000238.4 (MANE Select); coding-DNA position 754, C replaced by T.
Protein change: p.Arg252Trp; replaces arginine 252 with tryptophan.
Molecular consequence: missense variant.
Genome position (GRCh38, 1-based): chr7:150,958,221, G>A on the plus strand (C>T on the coding strand, the complement: KCNH2 is on the minus strand). VCF-style: chr7-150958221-G-A. GRCh37 (hg19) VCF-style: chr7-150655309-G-A.
Other names: c.466C>T, p.Arg156Trp (NM_001406753.1, NM_001406756.1); c.577C>T, p.Arg193Trp (NM_001406755.1); c.454C>T, p.Arg152Trp (NM_001406757.1); c.754C>T, p.Arg252Trp (NM_172056.3); short protein forms R252W, R152W, R156W, R193W.
Identifiers: ClinVar variation 1407934 (VCV001407934.4), dbSNP rs199472874, ClinGen allele CA169081266.